The following is an entry in ClinVar:

NM_001009944.3(PKD1):c.6244G>A (p.Ala2082Thr)

Gene: PKD1 (polycystin 1, transient receptor potential channel interacting; minus strand). Cytogenetic location: 16p13.3.
Variant type: single nucleotide variant.
Coding change: c.6244G>A on transcript NM_001009944.3 (MANE Select); coding-DNA position 6244, G replaced by A.
Protein change: p.Ala2082Thr; replaces alanine 2082 with threonine.
Molecular consequence: missense variant.
Genome position (GRCh38, 1-based): chr16:2,108,923, C>T on the plus strand (G>A on the coding strand, the complement: PKD1 is on the minus strand). VCF-style: chr16-2108923-C-T. GRCh37 (hg19) VCF-style: chr16-2158924-C-T.
Other names: c.6244G>A, p.Ala2082Thr (NM_000296.4); short protein forms A2082T.
Identifiers: ClinVar variation 1195122 (VCV001195122.2), dbSNP rs377235337, ClinGen allele CA7831657.

ClinVar aggregate classification (germline): Likely benign (1 of 4 stars; one submission).

Allele frequency attached by ClinVar (database versions not stated): gnomAD 0.00007 and 0.00009; ESP Exome Variant Server 0.00008; gnomAD exomes 0.00008; TOPMed 0.00015; ExAC 0.00019.

Submission:

GeneDx
Classification: Likely benign. Last evaluated: 2021-04-29. Review status: criteria provided, single submitter. Criteria: GeneDx Variant Classification Process June 2021. Collection method: clinical testing. Allele origin: germline. Affected: yes.
Comment: In silico analysis, which includes protein predictors and evolutionary conservation, supports that this variant does not alter protein structure/function; Identified in a patient with polycystic kidney disease who harbored a second variant in the PKD1 gene (Rossetti et al., 2012); This variant is associated with the following publications: (PMID: 22383692)